The following is an entry in ClinVar:

ClinVar aggregate classification (germline): Pathogenic. Review status: criteria provided, multiple submitters, no conflicts (2 of 4 stars). 5 submissions from 5 submitters: Pathogenic (4). 1 of the submissions does not count toward it. Last evaluated 2025-07-22.

Conditions:
Syndromic X-linked intellectual disability Najm type (MICPCH). Also called: MICPCH SYNDROME; Intellectual Disability and Microcephaly with Pontine and Cerebellar Hypoplasia; Intellectual developmental disorder and microcephaly with pontine and cerebellar hypoplasia; Mental retardation and microcephaly with pontine and cerebellar hypoplasia; MENTAL RETARDATION, X-LINKED, SYNDROMIC, NAJM TYPE; Intellectual Disability and Microcephaly with Pontine and Cerebellar Hypoplasia (MICPCH). Identifiers: Orphanet 163937, MedGen C2677903, MONDO:0010417, OMIM 300749.
Intellectual disability. Also called: Intellectual functioning disability; Intellectual developmental disorder; intellectual disabilities. Identifiers: MedGen C3714756, MeSH D008607, MONDO:0001071, HP:0001249.

Submissions (5):

GeneDx
Classification: Pathogenic. Last evaluated: 2025-07-22. Review status: criteria provided, single submitter. Criteria: GeneDx Variant Classification Process June 2021. Collection method: clinical testing. Allele origin: germline. Affected: yes.
Comment: Not observed in large population cohorts (gnomAD); Nonsense variant predicted to result in protein truncation or nonsense mediated decay in a gene for which loss of function is a known mechanism of disease; This variant is associated with the following publications: (PMID: 36703223, 33057194, 35982159, 25525159, 29691940, 19165920, 35670744)

Dubai Health Genomic Medicine Center, Dubai Health
Classification: Pathogenic for Intellectual developmental disorder. Last evaluated: 2024-10-04. Review status: criteria provided, single submitter. Criteria: ACMG Guidelines, 2015. Collection method: research. Allele origin: germline. Affected: yes.
Comment: PVS1, PS2, PM2

Broad Center for Mendelian Genomics, Broad Institute of MIT and Harvard
Classification: Pathogenic for Syndromic X-linked intellectual disability Najm type. Last evaluated: 2022-05-04. Review status: criteria provided, single submitter. Criteria: ACMG Guidelines, 2015. Collection method: curation. Allele origin: germline. Inheritance: X-linked inheritance.
Comment: Trio exome analysis showed this variant to be de novo. This variant has been reported in ClinVar (Variation ID: 11530) as pathogenic by OMIM and GeneDx. This nonsense variant leads to a premature termination codon at position 639, which is predicted to lead to a truncated or absent protein. Heterozygous loss of function of the CASK gene is an established disease mechanism in mental retardation and microcephaly with pontine and cerebellar hypoplasia. In summary, this variant meets criteria to be classified as pathogenic for mental retardation and microcephaly with pontine and cerebellar hypoplasia in an X-linked dominant manner based on the predicted impact of the variant, and occurrences in affected individuals while absent from control populations. ACMG/AMP Criteria applied: PVS1, PM2, PS4_supporting, PS2 (Richards 2015).

Clinical Genetics Service, Universitary Hospital 12 de Octubre
Classification: Pathogenic for Syndromic X-linked intellectual disability Najm type. Review status: criteria provided, single submitter. Criteria: ACMG Guidelines, 2015. Collection method: clinical testing. Allele origin: germline. Affected: yes.

OMIM
Classification: Pathogenic for INTELLECTUAL DEVELOPMENTAL DISORDER WITH MICROCEPHALY AND PONTINE AND CEREBELLAR HYPOPLASIA. Last evaluated: 2008-09-01. Review status: no assertion criteria provided. Collection method: literature only. Allele origin: germline. Not counted in ClinVar's aggregate classification.

Literature cited by the submitters: PubMed 19165920 (cited by OMIM).

NM_001367721.1(CASK):c.1915C>T (p.Arg639Ter)

Gene: CASK (calcium/calmodulin dependent serine protein kinase; minus strand). Cytogenetic location: Xp11.4.
Variant type: single nucleotide variant.
Coding change: c.1915C>T on transcript NM_001367721.1 (MANE Select); coding-DNA position 1915, C replaced by T.
Protein change: p.Arg639Ter; replaces arginine 639 with a stop codon.
Molecular consequence: nonsense.
Genome position (GRCh38, 1-based): chrX:41,553,843, G>A on the plus strand (C>T on the coding strand, the complement: CASK is on the minus strand). VCF-style: chrX-41553843-G-A. GRCh37 (hg19) VCF-style: chrX-41413096-G-A.
Other names: NM_003688.3(CASK):c.1915C>T; p.Arg639Ter; c.1846C>T, p.Arg616Ter (NM_001126054.3); c.1828C>T, p.Arg610Ter (NM_001126055.3); c.1897C>T, p.Arg633Ter (NM_001410745.1); c.1915C>T, p.Arg639Ter (NM_003688.4); short protein forms R639*, R610*, R616*, R633*.
Identifiers: ClinVar variation 11530 (VCV000011530.14), dbSNP rs137852815, ClinGen allele CA250591.